The following is an entry in ClinVar:

ClinVar aggregate classification (germline): Uncertain significance (1 of 4 stars; one submission).

Conditions:
Joubert syndrome 18 (JBTS18). Identifiers: Orphanet 2754, MedGen C3553758, MONDO:0013896, OMIM 614815.
Orofacial-digital syndrome IV (OFD4). Also called: BARAITSER-BURN SYNDROME; MOHR-MAJEWSKI SYNDROME; OFD SYNDROME WITH TIBIAL DEFECTS; OFD SYNDROME, BARAITSER-BURN TYPE; OFDS IV; ORAL-FACIAL-DIGITAL SYNDROME, TYPE IV. Identifiers: Orphanet 2753, MedGen C0406727, MONDO:0009794, OMIM 258860.

Allele frequency attached by ClinVar (database versions not stated): gnomAD 0.00001; gnomAD exomes 0.00004; ExAC 0.00007.

Submission:

Labcorp Genetics (formerly Invitae), Labcorp
Classification: Uncertain significance for Joubert syndrome 18; Orofacial-digital syndrome IV. Last evaluated: 2023-04-10. Review status: criteria provided, single submitter. Criteria: Invitae Variant Classification Sherloc (09022015). Collection method: clinical testing. Allele origin: germline.
Comment: In summary, the available evidence is currently insufficient to determine the role of this variant in disease. Therefore, it has been classified as a Variant of Uncertain Significance. Advanced modeling of protein sequence and biophysical properties (such as structural, functional, and spatial information, amino acid conservation, physicochemical variation, residue mobility, and thermodynamic stability) performed at Invitae indicates that this missense variant is not expected to disrupt TCTN3 protein function. ClinVar contains an entry for this variant (Variation ID: 1414209). This variant has not been reported in the literature in individuals affected with TCTN3-related conditions. This variant is present in population databases (rs775556315, gnomAD 0.008%). This sequence change replaces threonine, which is neutral and polar, with serine, which is neutral and polar, at codon 449 of the TCTN3 protein (p.Thr449Ser).

NM_015631.6(TCTN3):c.1346C>G (p.Thr449Ser)

Gene: TCTN3 (tectonic family member 3; minus strand). Cytogenetic location: 10q24.1.
Variant type: single nucleotide variant.
Coding change: c.1346C>G on transcript NM_015631.6 (MANE Select); coding-DNA position 1346, C replaced by G.
Protein change: p.Thr449Ser; replaces threonine 449 with serine.
Molecular consequence: missense variant.
Genome position (GRCh38, 1-based): chr10:95,682,757, G>C on the plus strand (C>G on the coding strand, the complement: TCTN3 is on the minus strand). VCF-style: chr10-95682757-G-C. GRCh37 (hg19) VCF-style: chr10-97442514-G-C.
Other names: c.902C>G, p.Thr301Ser (NM_001143973.2); short protein forms T301S, T449S.
Identifiers: ClinVar variation 1414209 (VCV001414209.4), dbSNP rs775556315, ClinGen allele CA5620857.
Genomic context (GRCh38, chr10:95,682,757, plus strand): 5'-TGGGCTGGGTCAGCATTACCAAAGATGGCAACATACTCTGGTCTGGGCCTTCCATGAAGA[G>C]TCTGATAAATCTCCTGCTGCAAGTGGCTGCAGTCTGCCTTCTTCAACCTATAATTAAACA-3'
Protein context (NP_056446.4, residues 439-459): CSHLQQEIYQ[Thr449Ser]LHGRPRPEYV